The following is an entry in ClinVar:

ClinVar aggregate classification (germline): Uncertain significance. Review status: criteria provided, multiple submitters, no conflicts (2 of 4 stars). 2 submissions from 2 submitters: Uncertain significance (2). Last evaluated 2024-10-21.

Conditions:
Dyskeratosis congenita, autosomal dominant 6 (DKCA6). Identifiers: Orphanet 3322, MedGen C4225284, MONDO:0014690, OMIM 616553.
Inborn genetic diseases. Identifiers: MedGen C0950123, MeSH D030342.

Submissions (2):

Ambry Genetics
Classification: Uncertain significance for Inborn genetic diseases. Last evaluated: 2024-10-21. Review status: criteria provided, single submitter. Criteria: Ambry Variant Classification Scheme 2023. Collection method: clinical testing. Allele origin: germline.
Comment: The p.P63S variant (also known as c.187C>T), located in coding exon 1 of the ACD gene, results from a C to T substitution at nucleotide position 187. The proline at codon 63 is replaced by serine, an amino acid with similar properties. This amino acid position is conserved. In addition, this alteration is predicted to be tolerated by in silico analysis. Since supporting evidence is limited at this time, the clinical significance of this alteration remains unclear.

Labcorp Genetics (formerly Invitae), Labcorp
Classification: Uncertain significance for Dyskeratosis congenita, autosomal dominant 6. Last evaluated: 2023-10-05. Review status: criteria provided, single submitter. Criteria: Invitae Variant Classification Sherloc (09022015). Collection method: clinical testing. Allele origin: germline.
Comment: This sequence change replaces proline, which is neutral and non-polar, with serine, which is neutral and polar, at codon 63 of the ACD protein (p.Pro63Ser). This variant is not present in population databases (gnomAD no frequency). This variant has not been reported in the literature in individuals affected with ACD-related conditions. ClinVar contains an entry for this variant (Variation ID: 1506759). An algorithm developed to predict the effect of missense changes on protein structure and function (PolyPhen-2) suggests that this variant is likely to be disruptive. In summary, the available evidence is currently insufficient to determine the role of this variant in disease. Therefore, it has been classified as a Variant of Uncertain Significance.

NC_000016.10:g.67660292G>A

Gene: ACD (ACD shelterin complex subunit and telomerase recruitment factor; minus strand). Cytogenetic location: 16q22.1.
Variant type: single nucleotide variant.
Genome position: GRCh38 VCF-style: chr16-67660292-G-A. GRCh37 (hg19) VCF-style: chr16-67694195-G-A.
Other names: short protein forms P63S.
Identifiers: ClinVar variation 1506759 (VCV001506759.8), dbSNP rs2142976460, ClinGen allele CA396359476.
Genomic context (GRCh38, chr16:67,660,292, plus strand): 5'-CACCCAGCGGATGCAACGGGCCCGGGTTTCCCGCGGGCGCCCAGGCCCCGCCTTTCCTCG[G>A]AAGAGGAAGCTCCTTCGCTGGGCGGGGCCGGAGGAGGAGGCCCCGCCCACGTACACCCCG-3'